The following is an entry in ClinVar:

ClinVar aggregate classification (germline): Uncertain significance (1 of 4 stars; one submission).

Conditions:
CEP290-related disorder. Also called: CEP290-related condition; CEP290-related disorders. Identifiers: MedGen CN239314.

Submission:

PreventionGenetics, part of Exact Sciences
Classification: Uncertain significance for CEP290-related condition. Last evaluated: 2026-01-27. Review status: criteria provided, single submitter. Criteria: ACMG Guidelines, 2015. Collection method: clinical testing. Allele origin: germline.
Comment: The CEP290 c.5435A>G variant is predicted to result in the amino acid substitution p.Glu1812Gly. To our knowledge, this variant has not been reported in the literature or in a large population database (gnomAD), indicating this variant is rare. At this time, the clinical significance of this variant is uncertain due to the absence of conclusive functional and genetic evidence.

NM_025114.4(CEP290):c.5435A>G (p.Glu1812Gly)

Gene: CEP290 (centrosomal protein 290; minus strand). Cytogenetic location: 12q21.32.
Variant type: single nucleotide variant.
Coding change: c.5435A>G on transcript NM_025114.4 (MANE Select); coding-DNA position 5435, A replaced by G.
Protein change: p.Glu1812Gly; replaces glutamic acid 1812 with glycine.
Molecular consequence: missense variant.
Genome position (GRCh38, 1-based): chr12:88,077,848, T>C on the plus strand (A>G on the coding strand, the complement: CEP290 is on the minus strand). VCF-style: chr12-88077848-T-C. GRCh37 (hg19) VCF-style: chr12-88471625-T-C.
Other names: short protein forms E1812G.
Identifiers: ClinVar variation 4991276 (VCV004991276.1).